The following is an entry in ClinVar:

NM_000435.3(NOTCH3):c.5900T>C (p.Met1967Thr)

Gene: NOTCH3 (notch receptor 3; minus strand). Cytogenetic location: 19p13.12.
Variant type: single nucleotide variant.
Coding change: c.5900T>C on transcript NM_000435.3 (MANE Select); coding-DNA position 5900, T replaced by C.
Protein change: p.Met1967Thr; replaces methionine 1967 with threonine.
Molecular consequence: missense variant.
Genome position (GRCh38, 1-based): chr19:15,162,478, A>G on the plus strand (T>C on the coding strand, the complement: NOTCH3 is on the minus strand). VCF-style: chr19-15162478-A-G. GRCh37 (hg19) VCF-style: chr19-15273289-A-G.
Other names: short protein forms M1967T.
Identifiers: ClinVar variation 804644 (VCV000804644.39), dbSNP rs377589088, ClinGen allele CA9262504.

ClinVar aggregate classification (germline): Conflicting classifications of pathogenicity. Review status: criteria provided, conflicting classifications (1 of 4 stars). 4 submissions from 4 submitters: Uncertain significance (1); Likely benign (3). Last evaluated 2026-01-05.

Allele frequency attached by ClinVar (database versions not stated): ESP Exome Variant Server 0.00008; gnomAD 0.00009; TOPMed 0.00010; gnomAD exomes 0.00015 and 0.00016; ExAC 0.00017.

Submissions (4):

Labcorp Genetics (formerly Invitae), Labcorp
Classification: Likely benign. Last evaluated: 2026-01-05. Review status: criteria provided, single submitter. Criteria: Invitae Variant Classification Sherloc (09022015). Collection method: clinical testing. Allele origin: germline.

Blueprint Genetics
Classification: Likely benign. Last evaluated: 2024-10-21. Review status: criteria provided, single submitter. Criteria: ACMG Guidelines, 2015. Collection method: clinical testing. Allele origin: germline.

Athena Diagnostics
Classification: Likely benign. Last evaluated: 2023-12-19. Review status: criteria provided, single submitter. Criteria: Athena Diagnostics Criteria. Collection method: clinical testing. Allele origin: unknown.

CeGaT Center for Human Genetics Tuebingen
Classification: Uncertain significance. Last evaluated: 2022-10-01. Review status: criteria provided, single submitter. Criteria: CeGaT Center For Human Genetics Tuebingen Variant Classification Criteria Version 2. Collection method: clinical testing. Allele origin: germline. Affected: yes. Observed: 1 variant allele.
Comment: NOTCH3: PP2

Literature cited by the submitters: PubMed 26242991 (cited by Athena Diagnostics); PubMed 36292254 (cited by Athena Diagnostics); PubMed 29750252 (cited by Athena Diagnostics).